The following is an entry in ClinVar:

NM_024642.5(GALNT12):c.129C>T (p.Ala43=)

Gene: GALNT12 (polypeptide N-acetylgalactosaminyltransferase 12; plus strand). Cytogenetic location: 9q22.33.
Variant type: single nucleotide variant.
Coding change: c.129C>T on transcript NM_024642.5 (MANE Select); coding-DNA position 129, C replaced by T.
Protein change: p.Ala43=; no amino-acid change (alanine 43 retained).
Molecular consequence: synonymous variant.
Genome position (GRCh38, 1-based): chr9:98,807,827, C>T. VCF-style: chr9-98807827-C-T. GRCh37 (hg19) VCF-style: chr9-101570109-C-T.
Identifiers: ClinVar variation 699565 (VCV000699565.19), dbSNP rs1315923578, ClinGen allele CA466647378.
Genomic context (GRCh38, chr9:98,807,827, plus strand): 5'-GCTCCTGGCGCTACTGGCGTTGGCCGGGCTGGGCTCGGTGCTGCGGGCGCAGCGTGGGGC[C>T]GGGGCCGGGGCTGCCGAGCCGGGACCCCCGCGCACCCCGCGCCCCGGGCGGCGCGAGCCG-3'
Protein context (NP_078918.3, residues 33-53): LGSVLRAQRG[Ala43=]GAGAAEPGPP

ClinVar aggregate classification (germline): Conflicting classifications of pathogenicity. Review status: criteria provided, conflicting classifications (1 of 4 stars). 6 submissions from 6 submitters: Uncertain significance (1); Benign (1); Likely benign (4). Last evaluated 2026-04-22.

Conditions:
Colorectal cancer, susceptibility to, 1. Also called: COLORECTAL ADENOMA AND CANCER, SUSCEPTIBILITY TO; COLORECTAL CANCER, SUSCEPTIBILITY TO, ON CHROMOSOME 9. Identifiers: MedGen C1837315, MONDO:0012132, OMIM 608812.

Allele frequency attached by ClinVar (database versions not stated): gnomAD 0.00002 and 0.00003; TOPMed 0.00002; 1000 Genomes Project 30x 0.00016.
gnomAD v4.1: 83 of 1,026,698 alleles (0.0081%); highest among the groups gnomAD compares: Non-Finnish European, 0.0091%; no homozygotes.

Submissions (6):

Myriad Genetics, Inc.
Classification: Benign for Colorectal cancer, susceptibility to, 1. Last evaluated: 2026-04-22. Review status: criteria provided, single submitter. Criteria: Myriad Autosomal Dominant, Autosomal Recessive and X-Linked Classification Criteria (2023). Collection method: clinical testing. Allele origin: unknown.
Comment: This variant is considered benign. This variant is a silent/synonymous amino acid change and it is not expected to impact splicing.

Labcorp Genetics (formerly Invitae), Labcorp
Classification: Likely benign. Last evaluated: 2025-10-15. Review status: criteria provided, single submitter. Criteria: Invitae Variant Classification Sherloc (09022015). Collection method: clinical testing. Allele origin: germline.

Quest Diagnostics Nichols Institute San Juan Capistrano
Classification: Uncertain significance. Last evaluated: 2025-05-14. Review status: criteria provided, single submitter. Criteria: Quest Diagnostics criteria. Collection method: clinical testing. Allele origin: unknown.
Comment: The GALNT12 c.129C>T (p.Ala43=) synonymous variant has not been reported in individuals with GALNT12-related conditions in the published literature. The frequency of this variant in the general population (Genome Aggregation Database) is uninformative in the assessment of its pathogenicity. Analysis of this variant using software algorithms for the prediction of the effect of nucleotide changes on splicing yielded predictions that this variant does not affect GALNT12 mRNA splicing. Based on the available information, we are unable to determine the clinical significance of this variant.

Department of Pathology and Laboratory Medicine, Sinai Health System
Classification: Likely benign for Colorectal cancer, susceptibility to, 1. Last evaluated: 2025-01-14. Review status: criteria provided, single submitter. Criteria: ACMG Guidelines, 2015. Collection method: clinical testing. Allele origin: germline.

Blueprint Genetics
Classification: Likely benign. Last evaluated: 2024-06-27. Review status: criteria provided, single submitter. Criteria: ACMG Guidelines, 2015. Collection method: clinical testing. Allele origin: germline.

Ambry Genetics
Classification: Likely benign. Last evaluated: 2019-01-04. Review status: criteria provided, single submitter. Criteria: Ambry Variant Classification Scheme 2023. Collection method: clinical testing. Allele origin: germline.